The following is an entry in ClinVar:

ClinVar aggregate classification (germline): Uncertain significance (1 of 4 stars; one submission).

Conditions:
Cardiomyopathy (CMYO). Also called: Cardiomyopathies. Identifiers: Orphanet 167848, MedGen C0878544, MONDO:0004994, HP:0001638. Inheritance: Various modes of inheritance.

Submission:

Color Diagnostics, LLC DBA Color Health
Classification: Uncertain significance for Cardiomyopathy. Last evaluated: 2024-03-06. Review status: criteria provided, single submitter. Criteria: ACMG Guidelines, 2015. Collection method: clinical testing. Allele origin: germline.
Comment: This missense variant replaces alanine with aspartic acid at codon 1278 of the MYH7 protein. Computational prediction tool suggests that this variant may have deleterious impact on protein structure and function (internally defined REVEL score threshold >=0.7, PMID: 27666373). Splice site prediction tools suggest that this variant may not impact RNA splicing. To our knowledge, functional studies have not been performed for this variant. This variant has not been reported in individuals affected with cardiovascular disorders in the literature. This variant has not been identified in the general population by the Genome Aggregation Database (gnomAD). The available evidence is insufficient to determine the role of this variant in disease conclusively. Therefore, this variant is classified as a Variant of Uncertain Significance.

NM_000257.4(MYH7):c.3833C>A (p.Ala1278Asp)

Gene: MYH7 (myosin heavy chain 7; minus strand). Cytogenetic location: 14q11.2.
Variant type: single nucleotide variant.
Coding change: c.3833C>A on transcript NM_000257.4 (MANE Select); coding-DNA position 3833, C replaced by A.
Protein change: p.Ala1278Asp; replaces alanine 1278 with aspartic acid.
Molecular consequence: missense variant.
Genome position (GRCh38, 1-based): chr14:23,419,503, G>T on the plus strand (C>A on the coding strand, the complement: MYH7 is on the minus strand). VCF-style: chr14-23419503-G-T. GRCh37 (hg19) VCF-style: chr14-23888712-G-T.
Other names: short protein forms A1278D.
Identifiers: ClinVar variation 920773 (VCV000920773.4), dbSNP rs1892376484, ClinGen allele CA389041939.